The following is an entry in ClinVar:

ClinVar aggregate classification (germline): Uncertain significance. Review status: criteria provided, multiple submitters, no conflicts (2 of 4 stars). 2 submissions from 2 submitters: Uncertain significance (2). Last evaluated 2026-01-19.

Conditions:
Inborn genetic diseases. Identifiers: MedGen C0950123, MeSH D030342.

Allele frequency attached by ClinVar (database versions not stated): ExAC 0.00002; gnomAD 0.00003; gnomAD exomes 0.00002; TOPMed 0.00002.
gnomAD v4.1: 30 of 1,613,378 alleles (0.0019%); highest among the groups gnomAD compares: East Asian, 0.0045%; no homozygotes.

Submissions (2):

Labcorp Genetics (formerly Invitae), Labcorp
Classification: Uncertain significance. Last evaluated: 2026-01-19. Review status: criteria provided, single submitter. Criteria: Invitae Variant Classification Sherloc (09022015). Collection method: clinical testing. Allele origin: germline.
Comment: This sequence change replaces arginine, which is basic and polar, with cysteine, which is neutral and slightly polar, at codon 697 of the CDH2 protein (p.Arg697Cys). This variant is present in population databases (rs754165315, gnomAD 0.01%). This variant has not been reported in the literature in individuals affected with CDH2-related conditions. ClinVar contains an entry for this variant (Variation ID: 2586032). An algorithm developed to predict the effect of missense changes on protein structure and function (PolyPhen-2) suggests that this variant is likely to be disruptive. In summary, the available evidence is currently insufficient to determine the role of this variant in disease. Therefore, it has been classified as a Variant of Uncertain Significance.

Ambry Genetics
Classification: Uncertain significance for Inborn genetic diseases. Last evaluated: 2025-01-08. Review status: criteria provided, single submitter. Criteria: Ambry Variant Classification Scheme 2023. Collection method: clinical testing. Allele origin: germline.

NM_001792.5(CDH2):c.2089C>T (p.Arg697Cys)

Gene: CDH2 (cadherin 2; minus strand). Cytogenetic location: 18q12.1.
Variant type: single nucleotide variant.
Coding change: c.2089C>T on transcript NM_001792.5 (MANE Select); coding-DNA position 2089, C replaced by T.
Protein change: p.Arg697Cys; replaces arginine 697 with cysteine.
Molecular consequence: missense variant.
Genome position (GRCh38, 1-based): chr18:27,985,120, G>A on the plus strand (C>T on the coding strand, the complement: CDH2 is on the minus strand). VCF-style: chr18-27985120-G-A. GRCh37 (hg19) VCF-style: chr18-25565084-G-A.
Other names: c.1996C>T, p.Arg666Cys (NM_001308176.2); short protein forms R697C, R666C.
Identifiers: ClinVar variation 2586032 (VCV002586032.6), dbSNP rs754165315, ClinGen allele CA8923245.